The following is an entry in ClinVar:

NM_170707.4(LMNA):c.1968+1del

Gene: LMNA (lamin A/C; plus strand). Cytogenetic location: 1q22.
Variant type: Deletion.
Coding change: c.1968+1del on transcript NM_170707.4 (MANE Select); the canonical splice donor site of the intron after coding-DNA position 1968, one base deleted (G; older notation c.1968+1delG).
Molecular consequence: splice donor variant. On other transcripts: intron variant (1).
Genome position (GRCh38, 1-based): chr1:156,138,758, G deleted; the last of 2 consecutive G bases (chr1:156,138,757-156,138,758); deleting either gives the same sequence. VCF-style (leftmost placement, unchanged base first): chr1-156138756-AG-A. GRCh37 (hg19) VCF-style: chr1-156108547-AG-A.
Other names: c.1968+1del (NM_001406983.1, NM_001406991.1, NM_001406985.1); c.1410+1del (NM_001406993.1, NM_001406995.1, NM_001406990.1 and 2 more transcripts); c.1344+1del (NM_001406999.1, NM_001407000.1, NM_001406994.1 and 1 more transcripts); c.1725+1del (NM_001406986.1, NM_001406987.1); c.1818+151del (NM_001282626.2); c.1878+1del (NM_170708.4); c.1632+1del (NM_001406989.1, NM_001257374.3); c.1671+1del (NM_001406988.1).
Identifiers: ClinVar variation 2692543 (VCV002692543.1), dbSNP rs2528031718, ClinGen allele CA2697554576.
Genomic context (GRCh38, chr1:156,138,756, plus strand): 5'-GCTTCGGGGACAATCTGGTCACCCGCTCCTACCTCCTGGGCAACTCCAGCCCCCGAACCC[AG>A]GTGAGTTGTCTCTGCTTTGTCTCCAAATCCTGCAGGCGGGTCCCTGGTCATCGAGGGGTA-3'

ClinVar aggregate classification (germline): Uncertain significance (1 of 4 stars; one submission).

Submission:

Greenwood Genetic Center Diagnostic Laboratories, Greenwood Genetic Center
Classification: Uncertain significance. Last evaluated: 2023-10-12. Review status: criteria provided, single submitter. Criteria: ACMG Guidelines, 2015. Collection method: clinical testing. Allele origin: germline. Affected: yes.
Comment: PM2